The following is an entry in ClinVar:

ClinVar aggregate classification (germline): Uncertain significance. Review status: criteria provided, single submitter (1 of 4 stars). 2 submissions from 2 submitters: Uncertain significance (1). 1 of the submissions does not count toward it. Last evaluated 2022-09-06.

Conditions:
Primary ciliary dyskinesia. Also called: Ciliary dyskinesia. Identifiers: Orphanet 244, MedGen C0008780, MONDO:0016575, HP:0012265.

Allele frequency attached by ClinVar (database versions not stated): TOPMed below 0.00001; gnomAD 0.00001.
gnomAD v4.1: 1 of 1,613,810 alleles (0.000062%); highest among the groups gnomAD compares: Admixed American, 0.0017%; no homozygotes.

Submissions (2):

Labcorp Genetics (formerly Invitae), Labcorp
Classification: Uncertain significance for Primary ciliary dyskinesia. Last evaluated: 2022-09-06. Review status: criteria provided, single submitter. Criteria: Invitae Variant Classification Sherloc (09022015). Collection method: clinical testing. Allele origin: germline.
Comment: In summary, the available evidence is currently insufficient to determine the role of this variant in disease. Therefore, it has been classified as a Variant of Uncertain Significance. Advanced modeling of protein sequence and biophysical properties (such as structural, functional, and spatial information, amino acid conservation, physicochemical variation, residue mobility, and thermodynamic stability) performed at Invitae indicates that this missense variant is not expected to disrupt DNAH5 protein function. This variant has not been reported in the literature in individuals affected with DNAH5-related conditions. This variant is not present in population databases (gnomAD no frequency). This sequence change replaces serine, which is neutral and polar, with asparagine, which is neutral and polar, at codon 1910 of the DNAH5 protein (p.Ser1910Asn).

Natera, Inc.
Classification: Uncertain significance for Primary ciliary dyskinesia. Last evaluated: 2025-01-24. Review status: no assertion criteria provided. Collection method: clinical testing. Allele origin: germline. Not counted in ClinVar's aggregate classification.

NM_001369.3(DNAH5):c.5729G>A (p.Ser1910Asn)

Gene: DNAH5 (dynein axonemal heavy chain 5; minus strand). Cytogenetic location: 5p15.2.
Variant type: single nucleotide variant.
Coding change: c.5729G>A on transcript NM_001369.3 (MANE Select); coding-DNA position 5729, G replaced by A.
Protein change: p.Ser1910Asn; replaces serine 1910 with asparagine.
Molecular consequence: missense variant.
Genome position (GRCh38, 1-based): chr5:13,839,509, C>T on the plus strand (G>A on the coding strand, the complement: DNAH5 is on the minus strand). VCF-style: chr5-13839509-C-T. GRCh37 (hg19) VCF-style: chr5-13839618-C-T.
Other names: c.5729G>A (NM_001369.2); short protein forms S1910N.
Identifiers: ClinVar variation 2417426 (VCV002417426.15), dbSNP rs1314064272, ClinGen allele CA359207579.